The following is an entry in ClinVar:

NM_000435.3(NOTCH3):c.1013G>C (p.Cys338Ser)

Gene: NOTCH3 (notch receptor 3; minus strand). Cytogenetic location: 19p13.12.
Variant type: single nucleotide variant.
Coding change: c.1013G>C on transcript NM_000435.3 (MANE Select); coding-DNA position 1013, G replaced by C.
Protein change: p.Cys338Ser; replaces cysteine 338 with serine.
Molecular consequence: missense variant.
Genome position (GRCh38, 1-based): chr19:15,191,447, C>G on the plus strand (G>C on the coding strand, the complement: NOTCH3 is on the minus strand). VCF-style: chr19-15191447-C-G. GRCh37 (hg19) VCF-style: chr19-15302258-C-G.
Other names: short protein forms C338S.
Identifiers: ClinVar variation 4682151 (VCV004682151.1).

ClinVar aggregate classification (germline): Pathogenic (1 of 4 stars; one submission).

Submission:

Athena Diagnostics
Classification: Pathogenic. Last evaluated: 2025-10-17. Review status: criteria provided, single submitter. Criteria: Athena Diagnostics Criteria. Collection method: clinical testing. Allele origin: unknown.
Comment: This variant alters a critical location within the protein, and is expected to severely affect function and cause disease. This variant has not been reported in large, multi-ethnic general populations. This variant has been identified in at least one individual with clinical features associated with this gene. At least one other missense variant at this codon is considered to be pathogenic or likely pathogenic, suggesting this variant may also cause disease. Greater than 90% of NOTCH3 pathogenic variants associated with CADASIL involve the gain or loss of a cysteine residue within the epidermal growth factor (EGF)-like repeat domain (PMID: 32457593, 20301673).

Literature cited by the submitters: PubMed 36221938; PubMed 34335700; PubMed 29188607.